The following is an entry in ClinVar:

ClinVar aggregate classification (germline): Uncertain significance. Review status: criteria provided, multiple submitters, no conflicts (2 of 4 stars). 3 submissions from 3 submitters: Uncertain significance (3). Last evaluated 2021-07-15.

Conditions:
Coffin-Siris syndrome. Identifiers: Orphanet 1465, MedGen C0265338, MONDO:0015452.
Intellectual disability, autosomal dominant 16 (CSS4). Also called: COFFIN-SIRIS SYNDROME 4. Identifiers: Orphanet 1465, MedGen C3553249, MONDO:0013821, OMIM 614609.
Hereditary cancer-predisposing syndrome. Also called: Tumor predisposition; Hereditary neoplastic syndrome; Neoplastic Syndromes, Hereditary; Hereditary Cancer Syndrome. Identifiers: Orphanet 140162, MedGen C0027672, MeSH D009386, MONDO:0015356.

gnomAD v4.1: 1 of 1,578,820 alleles (0.000063%); highest among the groups gnomAD compares: Non-Finnish European, 0.000086%; no homozygotes.

Submissions (3):

Genome-Nilou Lab
Classification: Uncertain significance for Intellectual disability, autosomal dominant 16. Last evaluated: 2021-07-15. Review status: criteria provided, single submitter. Criteria: ACMG Guidelines, 2015. Collection method: clinical testing. Allele origin: germline. Affected: no.

Genomic Research Center, Shahid Beheshti University of Medical Sciences
Classification: Uncertain significance for Coffin-Siris syndrome. Last evaluated: 2019-01-01. Review status: criteria provided, single submitter. Criteria: ACMG Guidelines, 2015. Collection method: clinical testing. Allele origin: unknown. Affected: yes. Observed: 1 variant allele.

Ambry Genetics
Classification: Uncertain significance for Hereditary cancer-predisposing syndrome. Last evaluated: 2018-08-27. Review status: criteria provided, single submitter. Criteria: Ambry Variant Classification Scheme 2023. Collection method: clinical testing. Allele origin: germline.
Comment: The p.P195H variant (also known as c.584C>A), located in coding exon 3 of the SMARCA4 gene, results from a C to A substitution at nucleotide position 584. The proline at codon 195 is replaced by histidine, an amino acid with similar properties. This amino acid position is highly conserved in available vertebrate species. In addition, the in silico prediction for this alteration is inconclusive. Since supporting evidence is limited at this time, the clinical significance of this alteration remains unclear.

NM_003072.5(SMARCA4):c.584C>A (p.Pro195His)

Gene: SMARCA4 (SWI/SNF related BAF chromatin remodeling complex subunit ATPase 4; plus strand). Cytogenetic location: 19p13.2.
Variant type: single nucleotide variant.
Coding change: c.584C>A on transcript NM_003072.5 (MANE Select); coding-DNA position 584, C replaced by A.
Protein change: p.Pro195His; replaces proline 195 with histidine.
Molecular consequence: missense variant. On other transcripts: non-coding transcript variant (1).
Genome position (GRCh38, 1-based): chr19:10,986,417, C>A. VCF-style: chr19-10986417-C-A. GRCh37 (hg19) VCF-style: chr19-11097093-C-A.
Other names: c.584C>A, p.Pro195His (NM_001128844.3, NM_001128845.2, NM_001128846.2 and 5 more transcripts); short protein forms P195H.
Identifiers: ClinVar variation 634568 (VCV000634568.9), dbSNP rs1568422604, ClinGen allele CA404056467.